The following is an entry in ClinVar:

ClinVar aggregate classification (germline): Uncertain significance (1 of 4 stars; one submission).

Allele frequency attached by ClinVar (database versions not stated): gnomAD 0.00001; gnomAD exomes 0.00002 and 0.00004; ExAC 0.00009.
gnomAD v4.1: 27 of 1,607,636 alleles (0.0017%); highest among the groups gnomAD compares: Non-Finnish European, 0.0017%; no homozygotes.

Submission:

Labcorp Genetics (formerly Invitae), Labcorp
Classification: Uncertain significance. Last evaluated: 2021-09-01. Review status: criteria provided, single submitter. Criteria: Invitae Variant Classification Sherloc (09022015). Collection method: clinical testing. Allele origin: germline.
Comment: This sequence change replaces tyrosine with cysteine at codon 967 of the CAD protein (p.Tyr967Cys). The tyrosine residue is moderately conserved and there is a large physicochemical difference between tyrosine and cysteine. This variant is present in population databases (rs746257636, ExAC 0.02%). This variant has not been reported in the literature in individuals affected with CAD-related conditions. Algorithms developed to predict the effect of missense changes on protein structure and function are either unavailable or do not agree on the potential impact of this missense change (SIFT: "Tolerated"; PolyPhen-2: "Probably Damaging"; Align-GVGD: "Class C0"). Algorithms developed to predict the effect of sequence changes on RNA splicing suggest that this variant may create or strengthen a splice site. In summary, the available evidence is currently insufficient to determine the role of this variant in disease. Therefore, it has been classified as a Variant of Uncertain Significance.

NM_004341.5(CAD):c.2900A>G (p.Tyr967Cys)

Gene: CAD (carbamoyl-phosphate synthetase 2, aspartate transcarbamylase, and dihydroorotase; plus strand). Cytogenetic location: 2p23.3.
Variant type: single nucleotide variant.
Coding change: c.2900A>G on transcript NM_004341.5 (MANE Select); coding-DNA position 2900, A replaced by G.
Protein change: p.Tyr967Cys; replaces tyrosine 967 with cysteine.
Molecular consequence: missense variant.
Genome position (GRCh38, 1-based): chr2:27,233,049, A>G. VCF-style: chr2-27233049-A-G. GRCh37 (hg19) VCF-style: chr2-27455917-A-G.
Other names: c.2711A>G, p.Tyr904Cys (NM_001306079.2); short protein forms Y904C, Y967C.
Identifiers: ClinVar variation 1442075 (VCV001442075.5), dbSNP rs746257636, ClinGen allele CA1573141.
Genomic context (GRCh38, chr2:27,233,049, plus strand): 5'-CCACGATTTTCCTCCCACCTGACTGCTAAGTACCCTTCCCCTCCCTCTTGCAGATGGGAT[A>G]TAAGACCATCATGGTGAACTATAACCCAGAGACAGTCAGCACCGACTATGACATGTGTGA-3'
Protein context (NP_004332.2, residues 957-977): GCIQQLRKMG[Tyr967Cys]KTIMVNYNPE